The following is an entry in ClinVar:

NM_138713.4(NFAT5):c.2224T>A (p.Ser742Thr)

Gene: NFAT5 (nuclear factor of activated T cells 5; plus strand). Cytogenetic location: 16q22.1.
Variant type: single nucleotide variant.
Coding change: c.2224T>A on transcript NM_138713.4 (MANE Select); coding-DNA position 2224, T replaced by A.
Protein change: p.Ser742Thr; replaces serine 742 with threonine.
Molecular consequence: missense variant.
Genome position (GRCh38, 1-based): chr16:69,692,049, T>A. VCF-style: chr16-69692049-T-A. GRCh37 (hg19) VCF-style: chr16-69725952-T-A.
Other names: c.2221T>A, p.Ser741Thr (NM_001113178.3); c.1549T>A, p.Ser517Thr (NM_001367709.1); c.2170T>A, p.Ser724Thr (NM_006599.4); c.1942T>A, p.Ser648Thr (NM_138714.4, NM_173214.3, NM_173215.3); short protein forms S648T, S517T, S724T, S741T, S742T.
Identifiers: ClinVar variation 2130680 (VCV002130680.4), dbSNP rs2544230616, ClinGen allele CA396507629.

ClinVar aggregate classification (germline): Uncertain significance (1 of 4 stars; one submission).

Conditions:
Immunodeficiency. Identifiers: MedGen C0021051, MONDO:0021094, HP:0002721.

Allele frequency attached by ClinVar (database versions not stated): gnomAD exomes below 0.00001.
gnomAD v4.1: 2 of 1,614,116 alleles (0.00012%); highest among the groups gnomAD compares: Non-Finnish European, 0.00017%; no homozygotes.

Submission:

Labcorp Genetics (formerly Invitae), Labcorp
Classification: Uncertain significance for Immunodeficiency. Last evaluated: 2022-06-15. Review status: criteria provided, single submitter. Criteria: Invitae Variant Classification Sherloc (09022015). Collection method: clinical testing. Allele origin: germline.
Comment: Algorithms developed to predict the effect of missense changes on protein structure and function (SIFT, PolyPhen-2, Align-GVGD) all suggest that this variant is likely to be tolerated. In summary, the available evidence is currently insufficient to determine the role of this variant in disease. Therefore, it has been classified as a Variant of Uncertain Significance. This variant has not been reported in the literature in individuals affected with NFAT5-related conditions. This sequence change replaces serine, which is neutral and polar, with threonine, which is neutral and polar, at codon 648 of the NFAT5 protein (p.Ser648Thr). This variant is not present in population databases (gnomAD no frequency).